The following is an entry in ClinVar:

NM_000419.5(ITGA2B):c.2665C>T (p.Arg889Cys)

Gene: ITGA2B (integrin subunit alpha 2b; minus strand). Cytogenetic location: 17q21.31.
Variant type: single nucleotide variant.
Coding change: c.2665C>T on transcript NM_000419.5 (MANE Select); coding-DNA position 2665, C replaced by T.
Protein change: p.Arg889Cys; replaces arginine 889 with cysteine.
Molecular consequence: missense variant.
Genome position (GRCh38, 1-based): chr17:44,375,653, G>A on the plus strand (C>T on the coding strand, the complement: ITGA2B is on the minus strand). VCF-style: chr17-44375653-G-A. GRCh37 (hg19) VCF-style: chr17-42453021-G-A.
Other names: short protein forms R889C.
Identifiers: ClinVar variation 4776073 (VCV004776073.1).
Genomic context (GRCh38, chr17:44,375,653, plus strand): 5'-CGAGAACTGGATCCTGAAGCCTCGAGGGCTGCTCGGGCTCTGGCAGGAAGATCTGTCTGC[G>A]ATCCCGCTTGTGATGGGCCGGGTGAATGGGGGAGGGGCTGGGGATGGGCAGCCCCCAGTC-3'
Protein context (NP_000410.2, residues 879-899): PIHPAHHKRD[Arg889Cys]RQIFLPEPEQ

ClinVar aggregate classification (germline): Uncertain significance (1 of 4 stars; one submission).

Conditions:
Glanzmann thrombasthenia. Also called: BLEEDING DISORDER, PLATELET-TYPE, 2; THROMBASTHENIA OF GLANZMANN AND NAEGELI; Thrombasthenia; Glanzmann's thrombasthenia; PLATELET GLYCOPROTEIN IIb-IIIa DEFICIENCY. Identifiers: Orphanet 849, MedGen C0040015, MONDO:0100326.

gnomAD v4.1: 3 of 1,612,198 alleles (0.00019%); highest among the groups gnomAD compares: Non-Finnish European, 0.00025%; no homozygotes.

Submission:

Labcorp Genetics (formerly Invitae), Labcorp
Classification: Uncertain significance for Glanzmann thrombasthenia. Last evaluated: 2025-07-30. Review status: criteria provided, single submitter. Criteria: Invitae Variant Classification Sherloc (09022015). Collection method: clinical testing. Allele origin: germline.
Comment: This sequence change replaces arginine, which is basic and polar, with cysteine, which is neutral and slightly polar, at codon 889 of the ITGA2B protein (p.Arg889Cys). This variant is not present in population databases (gnomAD no frequency). This variant has not been reported in the literature in individuals affected with ITGA2B-related conditions. Invitae Evidence Modeling of protein sequence and biophysical properties (such as structural, functional, and spatial information, amino acid conservation, physicochemical variation, residue mobility, and thermodynamic stability) indicates that this missense variant is expected to disrupt ITGA2B protein function with a positive predictive value of 95%. In summary, the available evidence is currently insufficient to determine the role of this variant in disease. Therefore, it has been classified as a Variant of Uncertain Significance.